The following is an entry in ClinVar:

NM_002529.4(NTRK1):c.1525G>C (p.Asp509His)

Gene: NTRK1 (neurotrophic receptor tyrosine kinase 1; plus strand). Cytogenetic location: 1q23.1.
Variant type: single nucleotide variant.
Coding change: c.1525G>C on transcript NM_002529.4 (MANE Select); coding-DNA position 1525, G replaced by C.
Protein change: p.Asp509His; replaces aspartic acid 509 with histidine.
Molecular consequence: missense variant.
Genome position (GRCh38, 1-based): chr1:156,876,103, G>C. VCF-style: chr1-156876103-G-C. GRCh37 (hg19) VCF-style: chr1-156845895-G-C.
Other names: c.1417G>C, p.Asp473His (NM_001007792.1); c.1507G>C, p.Asp503His (NM_001012331.2); short protein forms D503H, D509H, D473H.
Identifiers: ClinVar variation 584602 (VCV000584602.9), dbSNP rs1035934237, ClinGen allele CA31118150.

ClinVar aggregate classification (germline): Uncertain significance. Review status: criteria provided, multiple submitters, no conflicts (2 of 4 stars). 6 submissions from 6 submitters: Uncertain significance (5). 1 of the submissions does not count toward it. Last evaluated 2025-06-18.

Conditions:
Familial medullary thyroid carcinoma (MTC). Also called: Thyroid cancer, familial medullary; MTC, familial; Familial Medullary Thyroid Carcinoma (FMTC). Identifiers: Orphanet 653, Orphanet 99361, MedGen C1833921, MONDO:0007958, OMIM 155240.
Hereditary insensitivity to pain with anhidrosis (CIPA). Also called: INSENSITIVITY TO PAIN, CONGENITAL, WITH ANHIDROSIS; HSAN Type IV; NTRK1 Congenital Insensitivity to Pain with Anhidrosis; FAMILIAL DYSAUTONOMIA, TYPE II; NEUROPATHY, CONGENITAL SENSORY, WITH ANHIDROSIS; hereditary sensory and autonomic neuropathy type 4. Identifiers: Orphanet 642, MedGen C0020074, MONDO:0009746, OMIM 256800.
Inborn genetic diseases. Identifiers: MedGen C0950123, MeSH D030342.

Allele frequency attached by ClinVar (database versions not stated): TOPMed 0.00003.
gnomAD v4.1: 12 of 1,614,096 alleles (0.00074%); highest among the groups gnomAD compares: Admixed American, 0.017%; no homozygotes.

Submissions (6):

Ambry Genetics
Classification: Uncertain significance for Inborn genetic diseases. Last evaluated: 2025-06-18. Review status: criteria provided, single submitter. Criteria: Ambry Variant Classification Scheme 2023. Collection method: clinical testing. Allele origin: germline.

GeneDx
Classification: Uncertain significance. Last evaluated: 2025-04-21. Review status: criteria provided, single submitter. Criteria: GeneDx Variant Classification Process June 2021. Collection method: clinical testing. Allele origin: germline. Affected: yes.
Comment: Not observed at significant frequency in large population cohorts (gnomAD); In silico analysis supports that this missense variant has a deleterious effect on protein structure/function; Has not been previously published as pathogenic or benign to our knowledge

Genome-Nilou Lab
Classification: Uncertain significance for Hereditary insensitivity to pain with anhidrosis. Last evaluated: 2023-04-11. Review status: criteria provided, single submitter. Criteria: ACMG Guidelines, 2015. Collection method: clinical testing. Allele origin: germline. Affected: no.

Labcorp Genetics (formerly Invitae), Labcorp
Classification: Uncertain significance for Hereditary insensitivity to pain with anhidrosis. Last evaluated: 2022-08-19. Review status: criteria provided, single submitter. Criteria: Invitae Variant Classification Sherloc (09022015). Collection method: clinical testing. Allele origin: germline.
Comment: This sequence change replaces aspartic acid, which is acidic and polar, with histidine, which is basic and polar, at codon 503 of the NTRK1 protein (p.Asp503His). This variant is present in population databases (no rsID available, gnomAD 0.003%). This variant has not been reported in the literature in individuals affected with NTRK1-related conditions. ClinVar contains an entry for this variant (Variation ID: 584602). Advanced modeling of protein sequence and biophysical properties (such as structural, functional, and spatial information, amino acid conservation, physicochemical variation, residue mobility, and thermodynamic stability) performed at Invitae indicates that this missense variant is not expected to disrupt NTRK1 protein function. In summary, the available evidence is currently insufficient to determine the role of this variant in disease. Therefore, it has been classified as a Variant of Uncertain Significance.

Mendelics
Classification: Uncertain significance for Familial medullary thyroid carcinoma. Last evaluated: 2018-07-02. Review status: criteria provided, single submitter. Criteria: Mendelics Assertion Criteria 2017. Collection method: clinical testing. Allele origin: unknown.

Natera, Inc.
Classification: Uncertain significance for Hereditary insensitivity to pain with anhidrosis. Last evaluated: 2020-04-17. Review status: no assertion criteria provided. Collection method: clinical testing. Allele origin: germline. Not counted in ClinVar's aggregate classification.